The following is an entry in ClinVar:

NM_030665.4(RAI1):c.2213C>T (p.Ala738Val)

Gene: RAI1 (retinoic acid induced 1; plus strand). Cytogenetic location: 17p11.2.
Variant type: single nucleotide variant.
Coding change: c.2213C>T on transcript NM_030665.4 (MANE Select); coding-DNA position 2213, C replaced by T.
Protein change: p.Ala738Val; replaces alanine 738 with valine.
Molecular consequence: missense variant.
Genome position (GRCh38, 1-based): chr17:17,795,161, C>T. VCF-style: chr17-17795161-C-T. GRCh37 (hg19) VCF-style: chr17-17698475-C-T.
Other names: c.2213C>T (NM_030665.3); short protein forms A738V.
Identifiers: ClinVar variation 2413336 (VCV002413336.9), dbSNP rs781667517, ClinGen allele CA8418490.

ClinVar aggregate classification (germline): Conflicting classifications of pathogenicity. Review status: criteria provided, conflicting classifications (1 of 4 stars). 4 submissions from 4 submitters: Uncertain significance (1); Benign (1); Likely benign (2). Last evaluated 2026-09-01.

Conditions:
RAI1-related disorder. Also called: RAI1-related condition.
Inborn genetic diseases. Identifiers: MedGen C0950123, MeSH D030342.

Allele frequency attached by ClinVar (database versions not stated): gnomAD 0.00001; gnomAD exomes 0.00001; ExAC 0.00002; TOPMed 0.00002.
gnomAD v4.1: 22 of 1,613,886 alleles (0.0014%); highest among the groups gnomAD compares: East Asian, 0.0067%; no homozygotes.

Submissions (4):

CeGaT Center for Human Genetics Tuebingen
Classification: Likely benign. Last evaluated: 2026-09-01. Review status: criteria provided, single submitter. Criteria: CeGaT Center For Human Genetics Tuebingen Variant Classification Criteria Version 2. Collection method: clinical testing. Allele origin: germline. Affected: yes. Observed: 1 variant allele.
Comment: RAI1: BP4

PreventionGenetics, part of Exact Sciences
Classification: Uncertain significance for RAI1-related condition. Last evaluated: 2026-04-20. Review status: criteria provided, single submitter. Criteria: ACMG Guidelines, 2015. Collection method: clinical testing. Allele origin: germline.
Comment: The RAI1 c.2213C>T variant is predicted to result in the amino acid substitution p.Ala738Val. To our knowledge, this variant has not been reported in the literature. This variant is reported in 0.0054% of alleles in individuals of East Asian descent in gnomAD. At this time, the clinical significance of this variant is uncertain due to the absence of conclusive functional and genetic evidence.

Labcorp Genetics (formerly Invitae), Labcorp
Classification: Benign. Last evaluated: 2025-06-12. Review status: criteria provided, single submitter. Criteria: Invitae Variant Classification Sherloc (09022015). Collection method: clinical testing. Allele origin: germline.

Ambry Genetics
Classification: Likely benign for Inborn genetic diseases. Last evaluated: 2024-05-12. Review status: criteria provided, single submitter. Criteria: Ambry Variant Classification Scheme 2023. Collection method: clinical testing. Allele origin: germline.